The following is an entry in ClinVar:

NM_000079.4(CHRNA1):c.1243-132C>T

Gene: CHRNA1 (cholinergic receptor nicotinic alpha 1 subunit; minus strand). Cytogenetic location: 2q31.1.
Variant type: single nucleotide variant.
Coding change: c.1243-132C>T on transcript NM_000079.4 (MANE Select); 132 bases into the intron before coding-DNA position 1243, C replaced by T.
Molecular consequence: intron variant.
Genome position (GRCh38, 1-based): chr2:174,748,387, G>A on the plus strand (C>T on the coding strand, the complement: CHRNA1 is on the minus strand). VCF-style: chr2-174748387-G-A. GRCh37 (hg19) VCF-style: chr2-175613115-G-A.
Other names: c.1318-132C>T (NM_001039523.3).
Identifiers: ClinVar variation 679134 (VCV000679134.2), dbSNP rs2255918, ClinGen allele CA11305611.

ClinVar aggregate classification (germline): Benign. Review status: criteria provided, multiple submitters, no conflicts (2 of 4 stars). 2 submissions from 2 submitters: Benign (2). Last evaluated 2018-06-16.

Allele frequency attached by ClinVar (database versions not stated): 1000 Genomes Project 30x 0.75000; 1000 Genomes Project 0.75180; TOPMed 0.77160; gnomAD 0.78033 and 0.78183.
gnomAD v4.1: 1,202,237 of 1,415,938 alleles (85%); highest among the groups gnomAD compares: Admixed American, 89%; 514,904 homozygotes.

Submissions (2):

GeneDx
Classification: Benign. Last evaluated: 2018-06-16. Review status: criteria provided, single submitter. Criteria: GeneDx Variant Classification (06012015). Collection method: clinical testing. Allele origin: germline. Affected: yes.
Comment: This variant is considered likely benign or benign based on one or more of the following criteria: it is a conservative change, it occurs at a poorly conserved position in the protein, it is predicted to be benign by multiple in silico algorithms, and/or has population frequency not consistent with disease.

Breakthrough Genomics
Classification: Benign. Review status: criteria provided, single submitter. Criteria: ACMG Guidelines, 2015. Collection method: not provided. Allele origin: germline. Inheritance: Autosomal recessive inheritance. Affected: yes.